The following is an entry in ClinVar:

ClinVar aggregate classification (germline): Likely pathogenic (1 of 4 stars; one submission).

Conditions:
Primary ciliary dyskinesia. Also called: Ciliary dyskinesia. Identifiers: Orphanet 244, MedGen C0008780, MONDO:0016575, HP:0012265.

Submission:

Labcorp Genetics (formerly Invitae), Labcorp
Classification: Likely pathogenic for Primary ciliary dyskinesia. Last evaluated: 2019-02-14. Review status: criteria provided, single submitter. Criteria: Invitae Variant Classification Sherloc (09022015). Collection method: clinical testing. Allele origin: germline.
Comment: In summary, the currently available evidence indicates that the variant is pathogenic, but additional data are needed to prove that conclusively. Therefore, this variant has been classified as Likely Pathogenic. Loss-of-function variants in CCDC114 are known to be pathogenic (PMID: 23261302, 23261303). This variant has not been reported in the literature in individuals with CCDC114-related conditions. This variant results in a copy number gain of the genomic region encompassing exons 4-10 of the CCDC114 gene. While the exact position of this variant cannot be determined from this data, sub-genic copy number gains are generally in tandem (PMID: 25640679) and may result in an absent or disrupted protein product.

Literature cited by the submitters: PubMed 23261302; PubMed 23261303; PubMed 25640679.

NC_000019.10:g.(?_48302674)_(48312136_?)dup

Gene: ODAD1 (outer dynein arm docking complex subunit 1; minus strand). Cytogenetic location: 19q13.33.
Variant type: Duplication.
Identifiers: ClinVar variation 832093 (VCV000832093.5).